The following is an entry in ClinVar:

ClinVar aggregate classification (germline): Uncertain significance (1 of 4 stars; one submission).

Conditions:
Wilson disease (WND). Also called: Wilson's disease. Identifiers: Orphanet 905, MedGen C0019202, MONDO:0010200, OMIM 277900. Disease mechanism: loss of function.

Submission:

SIB Swiss Institute of Bioinformatics
Classification: Uncertain significance for Wilson disease. Last evaluated: 2018-10-15. Review status: criteria provided, single submitter. Criteria: ACMG Guidelines, 2015. Collection method: curation. Allele origin: germline.
Comment: This variant is interpreted as Uncertain Significance - Insufficient Evidence, for Wilson disease, autosomal recessive. The following ACMG Tag(s) were applied: PM2 => Absent from controls (or at extremely low frequency if recessive) in Exome Sequencing Project, 1000 Genomes Project, or Exome Aggregation Consortium. PM1-Supporting => PM1 downgraded in strength to Supporting (PubMed 19033537).

Literature cited by the submitters: PubMed 19033537.

NM_000053.4(ATP7B):c.130T>A (p.Tyr44Asn)

Gene: ATP7B (ATPase copper transporting beta; minus strand). Cytogenetic location: 13q14.3.
Variant type: single nucleotide variant.
Coding change: c.130T>A on transcript NM_000053.4 (MANE Select); coding-DNA position 130, T replaced by A.
Protein change: p.Tyr44Asn; replaces tyrosine 44 with asparagine.
Molecular consequence: missense variant.
Genome position (GRCh38, 1-based): chr13:51,975,090, A>T on the plus strand (T>A on the coding strand, the complement: ATP7B is on the minus strand). VCF-style: chr13-51975090-A-T. GRCh37 (hg19) VCF-style: chr13-52549226-A-T.
Other names: c.130T>A, p.Tyr44Asn (NM_001005918.3, NM_001243182.2, NM_001330578.2 and 1 more transcripts); short protein forms Y44N.
Identifiers: ClinVar variation 617907 (VCV000617907.1), dbSNP rs1566605396, ClinGen allele CA388045267.